The following is an entry in ClinVar:

ClinVar aggregate classification (germline): Likely benign. Review status: criteria provided, single submitter (1 of 4 stars). 2 submissions from 2 submitters: Likely benign (1). 1 of the submissions does not count toward it. Last evaluated 2024-02-06.

Conditions:
SMARCAL1-related disorder. Also called: SMARCAL1-related condition.
Schimke immuno-osseous dysplasia (SIOD). Also called: Schimke Immunoosseous Dysplasia. Identifiers: Orphanet 1830, MedGen C0877024, MONDO:0009458, OMIM 242900.

Allele frequency attached by ClinVar (database versions not stated): TOPMed below 0.00001; gnomAD exomes 0.00001; ExAC 0.00002.
gnomAD v4.1: 1 of 1,614,186 alleles (0.000062%); highest among the groups gnomAD compares: East Asian, 0.0022%; no homozygotes.

Submissions (2):

Labcorp Genetics (formerly Invitae), Labcorp
Classification: Likely benign for Schimke immuno-osseous dysplasia. Last evaluated: 2024-02-06. Review status: criteria provided, single submitter. Criteria: Invitae Variant Classification Sherloc (09022015). Collection method: clinical testing. Allele origin: germline.

PreventionGenetics, part of Exact Sciences
Classification: Likely benign for SMARCAL1-related condition. Last evaluated: 2024-02-09. Review status: no assertion criteria provided. Collection method: clinical testing. Allele origin: germline. Not counted in ClinVar's aggregate classification.
Comment: This variant is classified as likely benign based on ACMG/AMP sequence variant interpretation guidelines (Richards et al. 2015 PMID: 25741868, with internal and published modifications).

NM_014140.4(SMARCAL1):c.123C>T (p.Ser41=)

Gene: SMARCAL1 (SNF2 related chromatin remodeling annealing helicase 1; plus strand). Cytogenetic location: 2q35.
Variant type: single nucleotide variant.
Coding change: c.123C>T on transcript NM_014140.4 (MANE Select); coding-DNA position 123, C replaced by T.
Protein change: p.Ser41=; no amino-acid change (serine 41 retained).
Molecular consequence: synonymous variant.
Genome position (GRCh38, 1-based): chr2:216,414,827, C>T. VCF-style: chr2-216414827-C-T. GRCh37 (hg19) VCF-style: chr2-217279550-C-T.
Other names: c.123C>T, p.Ser41= (NM_001127207.2); c.123C>T (NM_014140.3).
Identifiers: ClinVar variation 1614007 (VCV001614007.10), dbSNP rs757540052, ClinGen allele CA2097558.